The following is an entry in ClinVar:

ClinVar aggregate classification (germline): Likely pathogenic. Review status: criteria provided, multiple submitters, no conflicts (2 of 4 stars). 2 submissions from 2 submitters: Likely pathogenic (2). Last evaluated 2026-03-24.

Conditions:
Hereditary cancer-predisposing syndrome. Also called: Hereditary neoplastic syndrome; Neoplastic Syndromes, Hereditary; Tumor predisposition; Hereditary Cancer Syndrome. Identifiers: Orphanet 140162, MedGen C0027672, MeSH D009386, MONDO:0015356.
Birt-Hogg-Dube syndrome 1 (BHD1). Also called: FIBROFOLLICULOMAS WITH TRICHODISCOMAS AND ACROCHORDONS. Identifiers: Orphanet 122, MedGen CN375946, MONDO:0800445, OMIM 135150.

Submissions (2):

Myriad Genetics, Inc.
Classification: Likely pathogenic for Birt-Hogg-Dube syndrome 1. Last evaluated: 2026-03-24. Review status: criteria provided, single submitter. Criteria: Myriad Autosomal Dominant, Autosomal Recessive and X-Linked Classification Criteria (2023). Collection method: clinical testing. Allele origin: unknown.
Comment: This variant is considered likely pathogenic. This variant occurs within a consensus splice junction and is predicted to result in abnormal mRNA splicing of either an out-of-frame exon or an in-frame exon necessary for protein stability and/or normal function.

Ambry Genetics
Classification: Likely pathogenic for Hereditary cancer-predisposing syndrome. Last evaluated: 2017-04-18. Review status: criteria provided, single submitter. Criteria: Ambry Variant Classification Scheme 2023. Collection method: clinical testing. Allele origin: germline.
Comment: The c.397-2A>G intronic variant results from an A to G substitution two nucleotides upstream from coding exon 3 in the FLCN gene. This nucleotide position is highly conserved in available vertebrate species. Using the BDGP and ESEfinder splice site prediction tools, this alteration is predicted to abolish the native acceptor splice site; however, direct evidence is unavailable. Alterations that disrupt the canonical splice site are expected to cause aberrant splicing, resulting in an abnormal protein or a transcript that is subject to nonsense-mediated mRNA decay. As such, this alteration is classified as likely pathogenic.

NM_144997.7(FLCN):c.397-2A>G

Gene: FLCN (folliculin; minus strand). Cytogenetic location: 17p11.2.
Variant type: single nucleotide variant.
Coding change: c.397-2A>G on transcript NM_144997.7 (MANE Select); the canonical splice acceptor site of the intron before coding-DNA position 397, A replaced by G.
Molecular consequence: splice acceptor variant.
Genome position (GRCh38, 1-based): chr17:17,224,145, T>C on the plus strand (A>G on the coding strand, the complement: FLCN is on the minus strand). VCF-style: chr17-17224145-T-C. GRCh37 (hg19) VCF-style: chr17-17127459-T-C.
Other names: c.397-2A>G (NM_001353231.2, NM_001353230.2, NM_144606.7); c.451-2A>G (NM_001353229.2).
Identifiers: ClinVar variation 1736621 (VCV001736621.3), dbSNP rs2144983543, ClinGen allele CA398534662.